The following is an entry in ClinVar:

ClinVar aggregate classification (germline): Benign/Likely benign. Review status: criteria provided, multiple submitters, no conflicts (2 of 4 stars). 2 submissions from 2 submitters: Benign (1); Likely benign (1). Last evaluated 2022-08-23.

Conditions:
Epilepsy, childhood absence, susceptibility to, 1. Also called: Epilepsy, childhood absence 1. Identifiers: Orphanet 64280, MedGen C1838604, MONDO:0020759, OMIM 600131.
Epilepsy, childhood absence, susceptibility to, 5. Identifiers: Orphanet 64280, MedGen C2677087, MONDO:0012843, OMIM 612269.

Allele frequency attached by ClinVar (database versions not stated): gnomAD exomes 0.00001 and 0.00013; TOPMed 0.00001; ExAC below 0.00001; gnomAD 0.00002.
gnomAD v4.1: 18 of 1,555,478 alleles (0.0012%); highest among the groups gnomAD compares: East Asian, 0.036%; no homozygotes.

Submissions (2):

Labcorp Genetics (formerly Invitae), Labcorp
Classification: Benign for Epilepsy, childhood absence, susceptibility to, 5; Epilepsy, childhood absence, susceptibility to, 1. Last evaluated: 2022-08-23. Review status: criteria provided, single submitter. Criteria: Invitae Variant Classification Sherloc (09022015). Collection method: clinical testing. Allele origin: germline.

GeneDx
Classification: Likely benign. Last evaluated: 2016-10-26. Review status: criteria provided, single submitter. Criteria: GeneDx Variant Classification (06012015). Collection method: clinical testing. Allele origin: germline. Affected: yes.
Comment: This variant is considered likely benign or benign based on one or more of the following criteria: it is a conservative change, it occurs at a poorly conserved position in the protein, it is predicted to be benign by multiple in silico algorithms, and/or has population frequency not consistent with disease.

NM_021912.5(GABRB3):c.80+10G>A

Gene: GABRB3 (gamma-aminobutyric acid type A receptor subunit beta3; minus strand). Cytogenetic location: 15q12.
Variant type: single nucleotide variant.
Coding change: c.80+10G>A on transcript NM_021912.5; 10 bases into the intron after coding-DNA position 80, G replaced by A.
Molecular consequence: intron variant.
Genome position (GRCh38, 1-based): chr15:26,773,635, C>T on the plus strand (G>A on the coding strand, the complement: GABRB3 is on the minus strand). VCF-style: chr15-26773635-C-T. GRCh37 (hg19) VCF-style: chr15-27018782-C-T.
Identifiers: ClinVar variation 381597 (VCV000381597.12), dbSNP rs763316211, ClinGen allele CA7437609.